The following is an entry in ClinVar:

NM_001267550.2(TTN):c.78685A>T (p.Arg26229Ter)

Genes: TTN-AS1 (TTN antisense RNA 1; plus strand), TTN (titin; minus strand). Cytogenetic location: 2q31.2.
Variant type: single nucleotide variant.
Coding change: c.78685A>T on transcript NM_001267550.2 (MANE Select); coding-DNA position 78685, A replaced by T.
Protein change: p.Arg26229Ter; replaces arginine 26229 with a stop codon.
Molecular consequence: nonsense.
Genome position (GRCh38, 1-based): chr2:178,567,447, T>A on the plus strand (A>T on the coding strand, the complement: TTN is on the minus strand). VCF-style: chr2-178567447-T-A. GRCh37 (hg19) VCF-style: chr2-179432174-T-A.
Other names: c.73762A>T, p.Arg24588Ter (NM_001256850.1); c.51490A>T, p.Arg17164Ter (NM_003319.4); c.70981A>T, p.Arg23661Ter (NM_133378.4); c.51865A>T, p.Arg17289Ter (NM_133432.3); c.52066A>T, p.Arg17356Ter (NM_133437.4); short protein forms R17164*, R17289*, R17356*, R23661*, R24588*, R26229*.
Identifiers: ClinVar variation 3066104 (VCV003066104.1), dbSNP rs2468323709, ClinGen allele CA349601590.

ClinVar aggregate classification (germline): Likely pathogenic (1 of 4 stars; one submission).

Conditions:
Dilated cardiomyopathy 1G (CMD1G). Identifiers: Orphanet 154, MedGen C1858763, MONDO:0011400, OMIM 604145.

Submission:

MVZ Medizinische Genetik Mainz
Classification: Likely pathogenic for Dilated cardiomyopathy 1G. Last evaluated: 2023-03-09. Review status: criteria provided, single submitter. Criteria: UK Practice Guidelines For Variant Classification V4 01 2020. Collection method: clinical testing. Allele origin: germline. Inheritance: Autosomal dominant inheritance. Affected: yes. Observed: 1 variant allele.
Comment: ACMG Criteria: PVS1,PM2_SUP